The following is an entry in ClinVar:

NM_006059.4(LAMC3):c.1979G>A (p.Arg660Gln)

Gene: LAMC3 (laminin subunit gamma 3; plus strand). Cytogenetic location: 9q34.12.
Variant type: single nucleotide variant.
Coding change: c.1979G>A on transcript NM_006059.4 (MANE Select); coding-DNA position 1979, G replaced by A.
Protein change: p.Arg660Gln; replaces arginine 660 with glutamine.
Molecular consequence: missense variant.
Genome position (GRCh38, 1-based): chr9:131,056,968, G>A. VCF-style: chr9-131056968-G-A. GRCh37 (hg19) VCF-style: chr9-133932355-G-A.
Other names: short protein forms R660Q.
Identifiers: ClinVar variation 1356659 (VCV001356659.4), dbSNP rs193039706, ClinGen allele CA5287298.

ClinVar aggregate classification (germline): Uncertain significance (1 of 4 stars; one submission).

Allele frequency attached by ClinVar (database versions not stated): gnomAD exomes 0.00002; TOPMed 0.00003; ExAC 0.00004; gnomAD 0.00004; ESP Exome Variant Server 0.00008; 1000 Genomes Project 30x 0.00016; 1000 Genomes Project 0.00020.
gnomAD v4.1: 108 of 1,613,782 alleles (0.0067%); highest among the groups gnomAD compares: African/African-American, 0.019%; no homozygotes.

Submission:

Labcorp Genetics (formerly Invitae), Labcorp
Classification: Uncertain significance. Last evaluated: 2024-01-22. Review status: criteria provided, single submitter. Criteria: Invitae Variant Classification Sherloc (09022015). Collection method: clinical testing. Allele origin: germline.
Comment: This sequence change replaces arginine, which is basic and polar, with glutamine, which is neutral and polar, at codon 660 of the LAMC3 protein (p.Arg660Gln). This variant is present in population databases (rs193039706, gnomAD 0.01%). This variant has not been reported in the literature in individuals affected with LAMC3-related conditions. ClinVar contains an entry for this variant (Variation ID: 1356659). Algorithms developed to predict the effect of missense changes on protein structure and function output the following: SIFT: "Not Available"; PolyPhen-2: "Benign"; Align-GVGD: "Not Available". The glutamine amino acid residue is found in multiple mammalian species, which suggests that this missense change does not adversely affect protein function. In summary, the available evidence is currently insufficient to determine the role of this variant in disease. Therefore, it has been classified as a Variant of Uncertain Significance.